The following is an entry in ClinVar:

ClinVar aggregate classification (germline): Uncertain significance. Review status: criteria provided, multiple submitters, no conflicts (2 of 4 stars). 2 submissions from 2 submitters: Uncertain significance (2). Last evaluated 2024-09-08.

Submissions (2):

Blueprint Genetics
Classification: Uncertain significance. Last evaluated: 2024-09-08. Review status: criteria provided, single submitter. Criteria: ACMG Guidelines, 2015. Collection method: clinical testing. Allele origin: germline.

Labcorp Genetics (formerly Invitae), Labcorp
Classification: Uncertain significance. Last evaluated: 2024-01-08. Review status: criteria provided, single submitter. Criteria: Invitae Variant Classification Sherloc (09022015). Collection method: clinical testing. Allele origin: germline.
Comment: This sequence change replaces glutamine, which is neutral and polar, with proline, which is neutral and non-polar, at codon 202 of the NKX2-1 protein (p.Gln202Pro). This variant is not present in population databases (gnomAD no frequency). This variant has not been reported in the literature in individuals affected with NKX2-1-related conditions. An algorithm developed to predict the effect of missense changes on protein structure and function (PolyPhen-2) suggests that this variant is likely to be disruptive. This variant disrupts the p.Gln202 amino acid residue in NKX2-1. Other variant(s) that disrupt this residue have been observed in individuals with NKX2-1-related conditions (PMID: 26723978, 35079915), which suggests that this may be a clinically significant amino acid residue. In summary, the available evidence is currently insufficient to determine the role of this variant in disease. Therefore, it has been classified as a Variant of Uncertain Significance.

Literature cited by the submitters: PubMed 26723978 (cited by Labcorp Genetics (formerly Invitae), Labcorp); PubMed 35079915 (cited by Labcorp Genetics (formerly Invitae), Labcorp).

NM_001079668.3(NKX2-1):c.605A>C (p.Gln202Pro)

Genes: NKX2-1 (NK2 homeobox 1; minus strand), SFTA3 (surfactant associated 3; minus strand). Cytogenetic location: 14q13.3.
Variant type: single nucleotide variant.
Coding change: c.605A>C on transcript NM_001079668.3 (MANE Select); coding-DNA position 605, A replaced by C.
Protein change: p.Gln202Pro; replaces glutamine 202 with proline.
Molecular consequence: missense variant.
Genome position (GRCh38, 1-based): chr14:36,517,879, T>G on the plus strand (A>C on the coding strand, the complement: NKX2-1 is on the minus strand). VCF-style: chr14-36517879-T-G. GRCh37 (hg19) VCF-style: chr14-36987084-T-G.
Other names: c.515A>C, p.Gln172Pro (NM_003317.4); short protein forms Q202P, Q172P.
Identifiers: ClinVar variation 2771332 (VCV002771332.4), dbSNP rs2139407723, ClinGen allele CA389459450.
Genomic context (GRCh38, chr14:36,517,879, plus strand): 5'-TCGCGCTCCGGCGCCGACAGGTACTTCTGTTGCTTGAAGCGTCGCTCCAGCTCGTACACC[T>G]GCGCCTGCGAGAAGAGCACCCGGCGCTTCCTGCGCGGCGCGCTTGGCAGCGGGGCCATGT-3'
Protein context (NP_001073136.1, residues 192-212): RKRRVLFSQA[Gln202Pro]VYELERRFKQ